The following is an entry in ClinVar:

NM_032119.4(ADGRV1):c.13996A>G (p.Ile4666Val)

Gene: ADGRV1 (adhesion G protein-coupled receptor V1; plus strand). Cytogenetic location: 5q14.3.
Variant type: single nucleotide variant.
Coding change: c.13996A>G on transcript NM_032119.4 (MANE Select); coding-DNA position 13996, A replaced by G.
Protein change: p.Ile4666Val; replaces isoleucine 4666 with valine.
Molecular consequence: missense variant. On other transcripts: non-coding transcript variant (1).
Genome position (GRCh38, 1-based): chr5:90,789,804, A>G. VCF-style: chr5-90789804-A-G. GRCh37 (hg19) VCF-style: chr5-90085621-A-G.
Other names: short protein forms I4666V.
Identifiers: ClinVar variation 449395 (VCV000449395.27), dbSNP rs765672841, ClinGen allele CA3341651.

ClinVar aggregate classification (germline): Benign/Likely benign. Review status: criteria provided, multiple submitters, no conflicts (2 of 4 stars). 7 submissions from 7 submitters: Benign (3); Likely benign (4). Last evaluated 2026-01-24.

Conditions:
ADGRV1-related disorder. Also called: ADGRV1-related condition; ADGRV1-related disorders.
Usher syndrome type 2C. Also called: Usher syndrome, type 2B; USHER SYNDROME, TYPE IIC. Identifiers: Orphanet 231178, Orphanet 886, MedGen C2931213, MONDO:0011558, OMIM 605472.

Allele frequency attached by ClinVar (database versions not stated): TOPMed 0.00004; gnomAD 0.00005 and 0.00011; 1000 Genomes Project 30x 0.00016; gnomAD exomes 0.00019 and 0.00024; ExAC 0.00023.
gnomAD v4.1: 331 of 1,505,890 alleles (0.022%); highest among the groups gnomAD compares: East Asian, 0.72%; 3 homozygotes.

Submissions (7):

Labcorp Genetics (formerly Invitae), Labcorp
Classification: Benign. Last evaluated: 2026-01-24. Review status: criteria provided, single submitter. Criteria: Invitae Variant Classification Sherloc (09022015). Collection method: clinical testing. Allele origin: germline.

CeGaT Center for Human Genetics Tuebingen
Classification: Likely benign. Last evaluated: 2025-12-01. Review status: criteria provided, single submitter. Criteria: CeGaT Center For Human Genetics Tuebingen Variant Classification Criteria Version 2. Collection method: clinical testing. Allele origin: germline. Affected: yes. Observed: 2 variant alleles.
Comment: ADGRV1: BS2

PreventionGenetics, part of Exact Sciences
Classification: Likely benign for ADGRV1-related condition. Last evaluated: 2025-06-30. Review status: criteria provided, single submitter. Criteria: ACMG Guidelines, 2015. Collection method: clinical testing. Allele origin: germline.
Comment: This variant is classified as likely benign based on ACMG/AMP sequence variant interpretation guidelines (Richards et al. 2015 PMID: 25741868, with internal and published modifications).

Illumina Laboratory Services, Illumina
Classification: Benign for Usher syndrome type 2C. Last evaluated: 2025-04-08. Review status: criteria provided, single submitter. Criteria: ICSLVariantClassificationCriteria RUGD 01 April 2020. Collection method: clinical testing. Allele origin: unknown.

Blueprint Genetics
Classification: Likely benign. Last evaluated: 2024-11-22. Review status: criteria provided, single submitter. Criteria: ACMG Guidelines, 2015. Collection method: clinical testing. Allele origin: germline.

Women's Health and Genetics/Laboratory Corporation of America, LabCorp
Classification: Benign. Last evaluated: 2023-04-25. Review status: criteria provided, single submitter. Criteria: LabCorp Variant Classification Summary - May 2015. Collection method: clinical testing. Allele origin: germline.
Comment: Variant summary: ADGRV1 c.13996A>G (p.Ile4666Val) results in a conservative amino acid change in the encoded protein sequence. Five of five in-silico tools predict a benign effect of the variant on protein function. The variant allele was found at a frequency of 0.00019 in 149006 control chromosomes, predominantly at a frequency of 0.0019 within the East Asian subpopulation in the gnomAD database. This frequency is not significantly higher than estimated for a pathogenic variant in ADGRV1 causing Usher Syndrome (0.00019 vs 0.0054). However, this variant allele has been reported at a frequency of 0.015, including 10 homozygotes, in a whole genome reference panel of 38,000 Japanese control individuals (ToMMo 38KJPN), strongly suggesting it is a benign polymorphism found primarily in individuals of Japanese ancestry, a subpopulation that is not highly represented in the gnomAD database. c.13996A>G has been reported in the literature in at least one Japanese individual affected with early-onset hearing loss, however it has also been reported in multiple control individuals of Japanese ancestry with normal hearing (e.g. Miyagawa_2013, Moteki_2016). Thus, these reports do not provide unequivocal conclusions about association of the variant with Usher Syndrome. The variant has also been categorized as benign based on expert curation in at least one publication (e.g. Azaiez_2018). To our knowledge, no experimental evidence demonstrating an impact on protein function has been reported. The following publications have been ascertained in the context of this evaluation (PMID: 30245029, 23967202, 26346818). Three submitters have provided clinical-significance assessments for this variant to ClinVar after 2014 without evidence for independent evaluation and classified the variant as either benign (n=1)/likely benign (n=1) or VUS (n=1). Based on the evidence outlined above, the variant was classified as benign.

GeneDx
Classification: Likely benign. Last evaluated: 2018-10-26. Review status: criteria provided, single submitter. Criteria: GeneDx Variant Classification Process June 2021. Collection method: clinical testing. Allele origin: germline. Affected: yes.
Comment: This variant is associated with the following publications: (PMID: 23967202, 30245029)

Literature cited by the submitters: PubMed 23967202 (cited by Women's Health and Genetics/Laboratory Corporation of America, LabCorp); PubMed 30245029 (cited by Women's Health and Genetics/Laboratory Corporation of America, LabCorp); PubMed 26346818 (cited by Women's Health and Genetics/Laboratory Corporation of America, LabCorp).